The following is an entry in ClinVar:

ClinVar aggregate classification (germline): Pathogenic/Likely pathogenic. Review status: criteria provided, multiple submitters, no conflicts (2 of 4 stars). 12 submissions from 12 submitters: Pathogenic (7); Likely pathogenic (2). 3 of the submissions do not count toward it. Last evaluated 2026-07-22.

Conditions:
Cystinosis. Also called: Cystine diathesis; Cystine storage disease; Cystinoses. Identifiers: Orphanet 213, MedGen C4316899, MONDO:0016239.
Inborn genetic diseases. Identifiers: MedGen C0950123, MeSH D030342.
Ocular cystinosis. Also called: Non-Nephropathic (Ocular) Cystinosis; Non-Nephropathic Cystinosis. Identifiers: Orphanet 213, Orphanet 411641, MedGen C2931013, MONDO:0009064, OMIM 219750.
Juvenile nephropathic cystinosis. Also called: Later-Onset (Juvenile) Cystinosis; CYSTINOSIS, LATE-ONSET JUVENILE OR ADOLESCENT NEPHROPATHIC TYPE; Intermediate Cystinosis. Identifiers: Orphanet 213, Orphanet 411634, MedGen C0268626, MONDO:0009066, OMIM 219900.
CTNS-related disorder. Also called: CTNS-related condition.
Nephropathic cystinosis (CTNS). Also called: CYSTINOSIN, DEFECT OF; LYSOSOMAL CYSTINE TRANSPORT PROTEIN, DEFECT OF; Abderhalden Lignac Kaufmann disease; Abderhalden-Kaufmann-Lignac syndrome. Identifiers: Orphanet 213, Orphanet 411629, MedGen C2931187, MONDO:0100151, OMIM 219800.

Allele frequency attached by ClinVar (database versions not stated): gnomAD 0.00004 and 0.00005; gnomAD exomes 0.00005 and 0.00006; ExAC 0.00007; TOPMed 0.00011.

Submissions (12):

PreventionGenetics, part of Exact Sciences
Classification: Pathogenic for CTNS-related condition. Last evaluated: 2026-07-22. Review status: criteria provided, single submitter. Criteria: ACMG Guidelines, 2015. Collection method: clinical testing. Allele origin: germline.
Comment: The CTNS c.589G>A variant is predicted to result in the amino acid substitution p.Gly197Arg. This variant has previously been reported in several studies to be causative for ocular, non-nephropathic cystinosis when in the compound heterozygous state with a second, severe CTNS variant (e.g. Anikster et al. 2000. PubMed ID: 10625078; Kleta et al. 2001. PubMed ID: 11708862). This particular variant is often reported in the literature as 927G>A (G197R). This variant is reported in 0.025% of alleles in individuals of East Asian descent in gnomAD. This variant is interpreted as pathogenic.

Labcorp Genetics (formerly Invitae), Labcorp
Classification: Pathogenic for Inborn genetic diseases; Ocular cystinosis; Juvenile nephropathic cystinosis. Last evaluated: 2026-01-20. Review status: criteria provided, single submitter. Criteria: Invitae Variant Classification Sherloc (09022015). Collection method: clinical testing. Allele origin: germline.
Comment: This sequence change replaces glycine, which is neutral and non-polar, with arginine, which is basic and polar, at codon 197 of the CTNS protein (p.Gly197Arg). This variant is present in population databases (rs113994207, gnomAD 0.03%). This missense change has been observed in individual(s) with CTNS-related conditions (PMID: 10625078, 11505338, 28649545). In at least one individual the data is consistent with being in trans (on the opposite chromosome) from a pathogenic variant. ClinVar contains an entry for this variant (Variation ID: 4451). Invitae Evidence Modeling of protein sequence and biophysical properties (such as structural, functional, and spatial information, amino acid conservation, physicochemical variation, residue mobility, and thermodynamic stability) indicates that this missense variant is expected to disrupt CTNS protein function with a positive predictive value of 80%. Experimental studies have shown that this missense change affects CTNS function (PMID: 15128704, 29467429). Algorithms developed to predict the effect of sequence changes on RNA splicing suggest that this variant may create or strengthen a splice site. For these reasons, this variant has been classified as Pathogenic.

Natera, Inc.
Classification: Pathogenic for Cystinosis. Last evaluated: 2025-05-12. Review status: criteria provided, single submitter. Criteria: Natera Variant Classification Schema (03/2026). Collection method: clinical testing. Allele origin: germline.
Comment: The c.589G>A variant in CTNS is a missense variant predicted to cause substitution of glycine to arginine at amino acid 197. This variant is rare in the general population with a frequency below the threshold expected for the associated phenotype(s). This variant has been observed in one or more individuals affected with the associated recessive disease, as either homozygous or compound heterozygous with a second variant (PMID: 10625078, 11708862, 28649545). This variant has been observed to segregate in affected family members (PMID: 11708862). Functional studies show that this variant may disrupt protein function (PMID: 15128704). Computational prediction algorithms indicate this variant is likely to affect gene or protein function. Given the available evidence, this variant is classified as Pathogenic.

Revvity Omics, Revvity
Classification: Pathogenic. Last evaluated: 2024-07-26. Review status: criteria provided, single submitter. Criteria: ACMG Guidelines, 2015. Collection method: clinical testing. Allele origin: germline.

Baylor Genetics
Classification: Pathogenic for Nephropathic cystinosis. Last evaluated: 2024-03-30. Review status: criteria provided, single submitter. Criteria: ACMG Guidelines, 2015. Collection method: clinical testing. Allele origin: unknown.

Fulgent Genetics
Classification: Likely pathogenic for Ocular cystinosis; Nephropathic cystinosis; Juvenile nephropathic cystinosis. Last evaluated: 2023-12-20. Review status: criteria provided, single submitter. Criteria: ACMG Guidelines, 2015. Collection method: clinical testing. Allele origin: germline.

Women's Health and Genetics/Laboratory Corporation of America, LabCorp
Classification: Pathogenic for Cystinosis. Last evaluated: 2022-02-14. Review status: criteria provided, single submitter. Criteria: LabCorp Variant Classification Summary - May 2015. Collection method: clinical testing. Allele origin: germline.
Comment: Variant summary: CTNS c.589G>A (p.Gly197Arg) results in a non-conservative amino acid change in the encoded protein sequence. Four of five in-silico tools predict a damaging effect of the variant on protein function. The variant allele was found at a frequency of 5.6e-05 in 251352 control chromosomes (gnomAD). This frequency is not higher than expected for a pathogenic variant in CTNS causing Cystinosis (5.6e-05 vs 0.0025), allowing no conclusion about variant significance. c.589G>A has been reported in the literature in multiple compound heterozygous individuals affected with Cystinosis (e.g. Anikster_2000, Kleta_2001, Phornphutkul_2001). These data indicate that the variant is very likely to be associated with disease. Experimental evidence evaluating an impact on protein function demonstrated the variant confers low level of cystine transport and also, leads to a significant trafficking defect and is found to go to the cell surface (Kalatzis_2004, Deshpande_2018). Three ClinVar submitters (evaluation after 2014) cite the variant as pathogenic/likely pathogenic. Based on the evidence outlined above, the variant was classified as pathogenic.

Center for Pediatric Genomic Medicine, Children's Mercy Hospital and Clinics
Classification: Likely pathogenic. Last evaluated: 2017-05-22. Review status: criteria provided, single submitter. Criteria: ACMG Guidelines, 2015. Collection method: clinical testing. Allele origin: germline.

Juno Genomics, Hangzhou Juno Genomics, Inc
Classification: Pathogenic for Nephropathic cystinosis; Juvenile nephropathic cystinosis; Ocular cystinosis. Review status: criteria provided, single submitter. Criteria: ACMG Guidelines, 2015. Collection method: clinical testing. Allele origin: germline. Affected: yes.
Comment: Absent from controls (or at extremely low frequency if recessive) in Genome Aggregation Database, Exome Sequencing Project, 1000 Genomes Project, or Exome Aggregation Consortium.;Well-established in vitro or in vivo functional studies supportive of a damaging effect on the gene or gene product.;For recessive disorders, detected in trans with a pathogenic variant.;Patient's phenotype or family history is highly specific for a disease with a single genetic etiology.

Counsyl
Classification: Likely pathogenic for Cystinosis. Last evaluated: 2014-03-03. Review status: no assertion criteria provided. Collection method: literature only. Allele origin: unknown. Inheritance: Autosomal recessive inheritance. Not counted in ClinVar's aggregate classification.

OMIM
Classification: Pathogenic for CYSTINOSIS, OCULAR NONNEPHROPATHIC. Last evaluated: 2000-01-01. Review status: no assertion criteria provided. Collection method: literature only. Allele origin: germline. Not counted in ClinVar's aggregate classification.

GeneReviews
No classification provided. Condition: Ocular cystinosis. Review status: no classification provided. Collection method: literature only. Allele origin: unknown. Not counted in ClinVar's aggregate classification.

Literature cited by the submitters: PubMed 10625078 (cited by 6 submitters); PubMed 11505338 (cited by 3 submitters); PubMed 28649545 (cited by Labcorp Genetics (formerly Invitae), Labcorp and Natera, Inc.); PubMed 15128704 (cited by 3 submitters); PubMed 29467429 (cited by Labcorp Genetics (formerly Invitae), Labcorp and Women's Health and Genetics/Laboratory Corporation of America, LabCorp); PubMed 11708862 (cited by 3 submitters); PubMed 10571941 (cited by Counsyl); PubMed 20301574 (cited by GeneReviews); NCBI Bookshelf NBK1400 (cited by GeneReviews).

NM_004937.3(CTNS):c.589G>A (p.Gly197Arg)

Genes: CTNS-AS1 (CTNS antisense RNA 1; minus strand), CTNS (cystinosin, lysosomal cystine transporter; plus strand). Cytogenetic location: 17p13.2.
Variant type: single nucleotide variant.
Coding change: c.589G>A on transcript NM_004937.3 (MANE Select); coding-DNA position 589, G replaced by A.
Protein change: p.Gly197Arg; replaces glycine 197 with arginine.
Molecular consequence: missense variant.
Genome position (GRCh38, 1-based): chr17:3,656,703, G>A. VCF-style: chr17-3656703-G-A. GRCh37 (hg19) VCF-style: chr17-3559997-G-A.
Other names: c.589G>A, p.Gly197Arg (NM_001031681.3, NM_001374492.1); c.148G>A, p.Gly50Arg (NM_001374493.1, NM_001374494.1, NM_001374495.1 and 1 more transcripts); c.589G>A (NM_001031681.2); short protein forms G197R, G50R.
Identifiers: ClinVar variation 4451 (VCV000004451.27), dbSNP rs113994207, ClinGen allele CA278463.